The following is an entry in ClinVar:

NM_001267550.2(TTN):c.74274G>C (p.Gln24758His)

Genes: TTN-AS1 (TTN antisense RNA 1; plus strand), TTN (titin; minus strand). Cytogenetic location: 2q31.2.
Variant type: single nucleotide variant.
Coding change: c.74274G>C on transcript NM_001267550.2 (MANE Select); coding-DNA position 74274, G replaced by C.
Protein change: p.Gln24758His; replaces glutamine 24758 with histidine.
Molecular consequence: missense variant.
Genome position (GRCh38, 1-based): chr2:178,571,858, C>G on the plus strand (G>C on the coding strand, the complement: TTN is on the minus strand). VCF-style: chr2-178571858-C-G. GRCh37 (hg19) VCF-style: chr2-179436585-C-G.
Other names: c.69351G>C, p.Gln23117His (NM_001256850.1); c.47079G>C, p.Gln15693His (NM_003319.4); c.66570G>C, p.Gln22190His (NM_133378.4); c.47454G>C, p.Gln15818His (NM_133432.3); c.47655G>C, p.Gln15885His (NM_133437.4); short protein forms Q15885H, Q23117H, Q15693H, Q22190H, Q15818H, Q24758H.
Identifiers: ClinVar variation 1742573 (VCV001742573.3), dbSNP rs1464894688, ClinGen allele CA349635037.

ClinVar aggregate classification (germline): Conflicting classifications of pathogenicity. Review status: criteria provided, conflicting classifications (1 of 4 stars). 2 submissions from 2 submitters: Uncertain significance (1); Likely benign (1). Last evaluated 2021-04-19.

Conditions:
Cardiovascular phenotype. Identifiers: MedGen CN230736.

gnomAD v4.1: 9 of 1,613,546 alleles (0.00056%); highest among the groups gnomAD compares: Non-Finnish European, 0.00068%; no homozygotes.

Submissions (2):

Blueprint Genetics
Classification: Likely benign. Last evaluated: 2021-04-19. Review status: criteria provided, single submitter. Criteria: ACMG Guidelines, 2015. Collection method: clinical testing. Allele origin: germline.

Ambry Genetics
Classification: Uncertain significance for Cardiovascular phenotype. Last evaluated: 2020-01-24. Review status: criteria provided, single submitter. Criteria: Ambry Variant Classification Scheme 2023. Collection method: clinical testing. Allele origin: germline.
Comment: The p.Q15693H variant (also known as c.47079G>C), located in coding exon 153 of the TTN gene, results from a G to C substitution at nucleotide position 47079. The glutamine at codon 15693 is replaced by histidine, an amino acid with highly similar properties. This amino acid position is not well conserved in available vertebrate species. In addition, this alteration is predicted to be tolerated by in silico analysis. Since supporting evidence is limited at this time, the clinical significance of this alteration remains unclear.